The following is an entry in ClinVar:

ClinVar aggregate classification (germline): Likely benign. Review status: criteria provided, multiple submitters, no conflicts (2 of 4 stars). 2 submissions from 2 submitters: Likely benign (2). Last evaluated 2024-05-24.

Conditions:
Familial cancer of breast. Also called: BREAST CANCER, FAMILIAL; hereditary breast carcinoma; Hereditary breast cancer. Identifiers: Orphanet 227535, MedGen C0346153, MONDO:0016419, OMIM 114480. Disease mechanism: loss of function.
Ataxia-telangiectasia syndrome (AT). Also called: LOUIS-BAR SYNDROME; Cerebello-oculocutaneous telangiectasia; Immunodeficiency with ataxia telangiectasia; AT, COMPLEMENTATION GROUP C; Ataxia-telangiectasia, complementation group D; ATAXIA-TELANGIECTASIA, COMPLEMENTATION GROUP A. Identifiers: Orphanet 100, MedGen C0004135, MONDO:0008840, OMIM 208900.

Submissions (2):

Myriad Genetics, Inc.
Classification: Likely benign for Familial cancer of breast. Last evaluated: 2024-05-24. Review status: criteria provided, single submitter. Criteria: Myriad Autosomal Dominant, Autosomal Recessive and X-Linked Classification Criteria (2023). Collection method: clinical testing. Allele origin: unknown.
Comment: This variant is considered likely benign. This variant is intronic and is not expected to impact mRNA splicing.

Labcorp Genetics (formerly Invitae), Labcorp
Classification: Likely benign for Ataxia-telangiectasia syndrome. Last evaluated: 2024-04-27. Review status: criteria provided, single submitter. Criteria: Invitae Variant Classification Sherloc (09022015). Collection method: clinical testing. Allele origin: germline.

NM_000051.4(ATM):c.5675-14T>C

Gene: ATM (ATM serine/threonine kinase; plus strand). Cytogenetic location: 11q22.3.
Variant type: single nucleotide variant.
Coding change: c.5675-14T>C on transcript NM_000051.4 (MANE Select); 14 bases into the intron before coding-DNA position 5675, T replaced by C.
Molecular consequence: intron variant.
Genome position (GRCh38, 1-based): chr11:108,307,883, T>C. VCF-style: chr11-108307883-T-C. GRCh37 (hg19) VCF-style: chr11-108178610-T-C.
Other names: c.5675-14T>C (NM_001351834.2).
Identifiers: ClinVar variation 3254056 (VCV003254056.3), dbSNP rs2135975152.